The following is an entry in ClinVar:

ClinVar aggregate classification (germline): Uncertain significance (1 of 4 stars; one submission).

Submission:

CeGaT Center for Human Genetics Tuebingen
Classification: Uncertain significance. Last evaluated: 2022-10-01. Review status: criteria provided, single submitter. Criteria: CeGaT Center For Human Genetics Tuebingen Variant Classification Criteria Version 2. Collection method: clinical testing. Allele origin: germline. Affected: yes. Observed: 1 variant allele.
Comment: CARMIL2: PM2

NM_001013838.3(CARMIL2):c.3551A>C (p.Glu1184Ala)

Gene: CARMIL2 (capping protein regulator and myosin 1 linker 2; plus strand). Cytogenetic location: 16q22.1.
Variant type: single nucleotide variant.
Coding change: c.3551A>C on transcript NM_001013838.3 (MANE Select); coding-DNA position 3551, A replaced by C.
Protein change: p.Glu1184Ala; replaces glutamic acid 1184 with alanine.
Molecular consequence: missense variant.
Genome position (GRCh38, 1-based): chr16:67,654,661, A>C. VCF-style: chr16-67654661-A-C. GRCh37 (hg19) VCF-style: chr16-67688564-A-C.
Other names: c.3443A>C, p.Glu1148Ala (NM_001317026.3); short protein forms E1148A, E1184A.
Identifiers: ClinVar variation 2646633 (VCV002646633.24), dbSNP rs150710381, ClinGen allele CA283212821.